The following is an entry in ClinVar:

NM_001130438.3(SPTAN1):c.1085+6A>G

Gene: SPTAN1 (spectrin alpha, non-erythrocytic 1; plus strand). Cytogenetic location: 9q34.11.
Variant type: single nucleotide variant.
Coding change: c.1085+6A>G on transcript NM_001130438.3 (MANE Select); 6 bases into the intron after coding-DNA position 1085, A replaced by G.
Molecular consequence: intron variant.
Genome position (GRCh38, 1-based): chr9:128,577,512, A>G. VCF-style: chr9-128577512-A-G. GRCh37 (hg19) VCF-style: chr9-131339791-A-G.
Other names: c.1085+6A>G (NM_001363759.2, NM_003127.4, NM_001363765.2 and 1 more transcripts).
Identifiers: ClinVar variation 411790 (VCV000411790.8), dbSNP rs1060503488, ClinGen allele CA16612422.

ClinVar aggregate classification (germline): Uncertain significance (1 of 4 stars; one submission).

Conditions:
Early-infantile DEE. Also called: Ohtahara syndrome; Early infantile epileptic encephalopathy with suppression bursts; Early infantile epileptic encephalopathy. Identifiers: Orphanet 1934, MedGen C0393706, MONDO:0800491.

gnomAD v4.1: 5 of 1,613,514 alleles (0.00031%); highest among the groups gnomAD compares: Non-Finnish European, 0.00042%; no homozygotes.

Submission:

Labcorp Genetics (formerly Invitae), Labcorp
Classification: Uncertain significance for Early-infantile DEE. Last evaluated: 2025-03-05. Review status: criteria provided, single submitter. Criteria: Invitae Variant Classification Sherloc (09022015). Collection method: clinical testing. Allele origin: germline.
Comment: This sequence change falls in intron 8 of the SPTAN1 gene. It does not directly change the encoded amino acid sequence of the SPTAN1 protein. It affects a nucleotide within the consensus splice site. This variant is not present in population databases (gnomAD no frequency). This variant has not been reported in the literature in individuals affected with SPTAN1-related conditions. ClinVar contains an entry for this variant (Variation ID: 411790). Variants that disrupt the consensus splice site are a relatively common cause of aberrant splicing (PMID: 17576681, 9536098). Algorithms developed to predict the effect of sequence changes on RNA splicing suggest that this variant is not likely to affect RNA splicing. In summary, the available evidence is currently insufficient to determine the role of this variant in disease. Therefore, it has been classified as a Variant of Uncertain Significance.

Literature cited by the submitters: PubMed 17576681; PubMed 9536098.